The following is an entry in ClinVar:

ClinVar aggregate classification (germline): Likely pathogenic. Review status: criteria provided, multiple submitters, no conflicts (2 of 4 stars). 3 submissions from 3 submitters: Likely pathogenic (2). 1 of the submissions does not count toward it. Last evaluated 2024-12-19.

Conditions:
Hereditary cancer-predisposing syndrome. Also called: Hereditary neoplastic syndrome; Hereditary Cancer Syndrome; Neoplastic Syndromes, Hereditary; Tumor predisposition. Identifiers: Orphanet 140162, MedGen C0027672, MeSH D009386, MONDO:0015356.
Familial adenomatous polyposis 1 (FAP1). Also called: POLYPOSIS, ADENOMATOUS INTESTINAL; FAMILIAL ADENOMATOUS POLYPOSIS 1, ATTENUATED. Identifiers: MedGen C2713442, MONDO:0021056, OMIM 175100. Disease mechanism: loss of function.

Allele frequency attached by ClinVar (database versions not stated): gnomAD exomes below 0.00001; ExAC 0.00001.
gnomAD v4.1: 2 of 1,613,356 alleles (0.00012%); highest among the groups gnomAD compares: Non-Finnish European, 0.00017%; no homozygotes.

Submissions (3):

Ambry Genetics
Classification: Likely pathogenic for Hereditary cancer-predisposing syndrome. Last evaluated: 2024-12-19. Review status: criteria provided, single submitter. Criteria: Ambry Variant Classification Scheme 2023. Collection method: clinical testing. Allele origin: germline.
Comment: The c.135+1G>A intronic variant results from a G to A substitution one nucleotide after coding exon 1 of the APC gene. Alterations that disrupt the canonical splice site are expected to cause aberrant splicing, resulting in an abnormal protein or a transcript that is subject to nonsense-mediated mRNA decay. This nucleotide position is highly conserved in available vertebrate species. In silico splice site analysis predicts that this alteration will weaken the native splice donor site. RNA studies have demonstrated that this alteration results in abnormal splicing in the set of samples tested (Ambry internal data). Based on the majority of available evidence to date, this variant is likely to be pathogenic. However, variants at this splice site are associated with an attenuated phenotype and may have reduced penetrance compared to classic familial adenomatous polyposis syndrome. Clinical correlation is advised.

Myriad Genetics, Inc.
Classification: Likely pathogenic for Familial adenomatous polyposis 1. Last evaluated: 2023-04-24. Review status: criteria provided, single submitter. Criteria: Myriad Autosomal Dominant, Autosomal Recessive and X-Linked Classification Criteria (2023). Collection method: clinical testing. Allele origin: unknown.
Comment: This variant is considered likely pathogenic. This variant occurs within a consensus splice junction and is predicted to result in abnormal mRNA splicing of either an out-of-frame exon or an in-frame exon necessary for protein stability and/or normal function.

deCODE genetics, Amgen
Classification: Likely pathogenic for Familial adenomatous polyposis 1. Last evaluated: 2023-07-21. Review status: no assertion criteria provided. Collection method: research. Allele origin: germline. Affected: yes. Observed: 7 variant alleles. Not counted in ClinVar's aggregate classification.
Comment: The variant NM_000038.6:c.135+1G>A (chr5:112755026) in APC was detected in 3 heterozygotes out of 58K WGS Icelanders (MAF= 0,003%). This variant has not been reported in ClinVar previously. Based on ACMG criteria (PVS1, PM2) this variant classifies as likely pathogenic.

NM_000038.6(APC):c.135+1G>A

Gene: APC (APC regulator of Wnt signaling pathway; plus strand). Cytogenetic location: 5q22.2.
Variant type: single nucleotide variant.
Coding change: c.135+1G>A on transcript NM_000038.6 (MANE Select); the canonical splice donor site of the intron after coding-DNA position 135, G replaced by A.
Molecular consequence: splice donor variant. On other transcripts: intron variant (11).
Genome position (GRCh38, 1-based): chr5:112,755,026, G>A. VCF-style: chr5-112755026-G-A. GRCh37 (hg19) VCF-style: chr5-112090723-G-A.
Other names: c.-901+1G>A (NM_001407470.1, NM_001407472.1, NM_001354906.2 and 1 more transcripts); c.135+1G>A (NM_001407447.1, NM_001354895.2, NM_001407456.1 and 17 more transcripts); c.166-11300G>A (NM_001407446.1, NM_001354897.2, NM_001354902.2 and 1 more transcripts); c.-42-11300G>A (NM_001407453.1, NM_001354900.2, NM_001354901.2 and 1 more transcripts); c.61-11300G>A (NM_001407451.1, NM_001354898.2, NM_001354904.2).
Identifiers: ClinVar variation 2574095 (VCV002574095.6), dbSNP rs750508765, ClinGen allele CA027242.